The following is an entry in ClinVar:

NM_000400.4(ERCC2):c.1544C>T (p.Ala515Val)

Gene: ERCC2 (ERCC excision repair 2, TFIIH core complex helicase subunit; minus strand). Cytogenetic location: 19q13.32.
Variant type: single nucleotide variant.
Coding change: c.1544C>T on transcript NM_000400.4 (MANE Select); coding-DNA position 1544, C replaced by T.
Protein change: p.Ala515Val; replaces alanine 515 with valine.
Molecular consequence: missense variant.
Genome position (GRCh38, 1-based): chr19:45,354,851, G>A on the plus strand (C>T on the coding strand, the complement: ERCC2 is on the minus strand). VCF-style: chr19-45354851-G-A. GRCh37 (hg19) VCF-style: chr19-45858109-G-A.
Other names: short protein forms A515V.
Identifiers: ClinVar variation 2452348 (VCV002452348.2), dbSNP rs2123237816, ClinGen allele CA406365628.

ClinVar aggregate classification (germline): Uncertain significance (1 of 4 stars; one submission).

Conditions:
Inborn genetic diseases. Identifiers: MedGen C0950123, MeSH D030342.

Allele frequency attached by ClinVar (database versions not stated): gnomAD exomes below 0.00001.
gnomAD v4.1: 3 of 1,613,960 alleles (0.00019%); highest among the groups gnomAD compares: Non-Finnish European, 0.00025%; no homozygotes.

Submission:

Ambry Genetics
Classification: Uncertain significance for Inborn genetic diseases. Last evaluated: 2022-12-09. Review status: criteria provided, single submitter. Criteria: Ambry Variant Classification Scheme 2023. Collection method: clinical testing. Allele origin: germline.
Comment: The p.A515V variant (also known as c.1544C>T) is located in coding exon 17 of the ERCC2 gene. The alanine at codon 515 is replaced by valine, an amino acid with similar properties. This change occurs in the first base pair of coding exon 17. This amino acid position is conserved. In addition, the in silico prediction for this alteration is inconclusive. Since supporting evidence is limited at this time, the clinical significance of this alteration remains unclear.